The following is an entry in ClinVar:

ClinVar aggregate classification (germline): Uncertain significance. Review status: criteria provided, multiple submitters, no conflicts (2 of 4 stars). 2 submissions from 2 submitters: Uncertain significance (2). Last evaluated 2026-06-30.

Conditions:
Neurofibromatosis, type 1 (NF1). Also called: Peripheral type neurofibromatosis; Neurofibromatosis, type I; VON RECKLINGHAUSEN DISEASE; NEUROFIBROMATOSIS, TYPE I, SOMATIC. Identifiers: Orphanet 636, MedGen C0027831, MONDO:0018975, OMIM 162200. Disease mechanism: loss of function.
Cardiovascular phenotype. Identifiers: MedGen CN230736.
Hereditary cancer-predisposing syndrome. Also called: Hereditary Cancer Syndrome; Hereditary neoplastic syndrome; Neoplastic Syndromes, Hereditary; Tumor predisposition. Identifiers: Orphanet 140162, MedGen C0027672, MeSH D009386, MONDO:0015356.

Allele frequency attached by ClinVar (database versions not stated): gnomAD exomes below 0.00001; TOPMed below 0.00001.

Submissions (2):

Ambry Genetics
Classification: Uncertain significance for Cardiovascular phenotype; Hereditary cancer-predisposing syndrome. Last evaluated: 2026-06-30. Review status: criteria provided, single submitter. Criteria: Ambry Variant Classification Scheme 2023. Collection method: clinical testing. Allele origin: germline.
Comment: The c.60+3A>G intronic variant results from an A to G substitution 3 nucleotides after coding exon 1 in the NF1 gene. This nucleotide position is highly conserved in available vertebrate species. In silico splice site analysis predicts that this alteration will not have any significant effect on splicing. Based on the available evidence, the clinical significance of this variant remains unclear.

Labcorp Genetics (formerly Invitae), Labcorp
Classification: Uncertain significance for Neurofibromatosis, type 1. Last evaluated: 2023-07-26. Review status: criteria provided, single submitter. Criteria: Invitae Variant Classification Sherloc (09022015). Collection method: clinical testing. Allele origin: germline.
Comment: This sequence change falls in intron 1 of the NF1 gene. It does not directly change the encoded amino acid sequence of the NF1 protein. It affects a nucleotide within the consensus splice site. This variant is not present in population databases (gnomAD no frequency). This variant has not been reported in the literature in individuals affected with NF1-related conditions. Variants that disrupt the consensus splice site are a relatively common cause of aberrant splicing (PMID: 17576681, 9536098). Algorithms developed to predict the effect of sequence changes on RNA splicing suggest that this variant is not likely to affect RNA splicing. In summary, the available evidence is currently insufficient to determine the role of this variant in disease. Therefore, it has been classified as a Variant of Uncertain Significance.

Literature cited by the submitters: PubMed 17576681 (cited by Labcorp Genetics (formerly Invitae), Labcorp); PubMed 9536098 (cited by Labcorp Genetics (formerly Invitae), Labcorp).

NM_001042492.3(NF1):c.60+3A>G

Genes: MIR4733HG (MIR4733 host gene; minus strand), NF1 (neurofibromin 1; plus strand), LOC111811965 (NF1 (neurofibromin 1) promoter region; plus strand). Cytogenetic location: 17q11.2.
Variant type: single nucleotide variant.
Coding change: c.60+3A>G on transcript NM_001042492.3 (MANE Select); 3 bases into the intron after coding-DNA position 60, A replaced by G.
Molecular consequence: intron variant. On other transcripts: non-coding transcript variant (1).
Genome position (GRCh38, 1-based): chr17:31,095,372, A>G. VCF-style: chr17-31095372-A-G. GRCh37 (hg19) VCF-style: chr17-29422390-A-G.
Other names: c.60+3A>G (NM_000267.4, NM_001128147.3, NM_000267.3).
Identifiers: ClinVar variation 3014113 (VCV003014113.4), dbSNP rs1598173910, ClinGen allele CA499197543.